The following is an entry in ClinVar:

NM_022051.3(EGLN1):c.477G>A (p.Lys159=)

Gene: EGLN1 (egl-9 family hypoxia inducible factor 1; minus strand). Cytogenetic location: 1q42.2.
Variant type: single nucleotide variant.
Coding change: c.477G>A on transcript NM_022051.3 (MANE Select); coding-DNA position 477, G replaced by A.
Protein change: p.Lys159=; no amino-acid change (lysine 159 retained).
Molecular consequence: synonymous variant.
Genome position (GRCh38, 1-based): chr1:231,421,412, C>T on the plus strand (G>A on the coding strand, the complement: EGLN1 is on the minus strand). VCF-style: chr1-231421412-C-T. GRCh37 (hg19) VCF-style: chr1-231557158-C-T.
Other names: c.477G>A, p.Lys159= (NM_001377260.1, NM_001377261.1).
Identifiers: ClinVar variation 695836 (VCV000695836.15), dbSNP rs766985056, ClinGen allele CA1453173.

ClinVar aggregate classification (germline): Benign/Likely benign. Review status: criteria provided, multiple submitters, no conflicts (2 of 4 stars). 3 submissions from 3 submitters: Benign (2); Likely benign (1). Last evaluated 2025-12-14.

Conditions:
Erythrocytosis, familial, 3 (ECYT3). Identifiers: Orphanet 247511, MedGen C1853286, MONDO:0012353, OMIM 609820.

Allele frequency attached by ClinVar (database versions not stated): gnomAD 0.00001 and 0.00009; TOPMed 0.00006; 1000 Genomes Project 30x 0.00016; gnomAD exomes 0.00027 and 0.00057; ExAC 0.00082.
gnomAD v4.1: 407 of 1,593,440 alleles (0.026%); highest among the groups gnomAD compares: South Asian, 0.39%; 6 homozygotes.

Submissions (3):

Labcorp Genetics (formerly Invitae), Labcorp
Classification: Benign for Erythrocytosis, familial, 3. Last evaluated: 2025-12-14. Review status: criteria provided, single submitter. Criteria: Invitae Variant Classification Sherloc (09022015). Collection method: clinical testing. Allele origin: germline.

Ambry Genetics
Classification: Likely benign. Last evaluated: 2022-03-12. Review status: criteria provided, single submitter. Criteria: Ambry Variant Classification Scheme 2023. Collection method: clinical testing. Allele origin: germline.

Illumina Laboratory Services, Illumina
Classification: Benign for Erythrocytosis, familial, 3. Last evaluated: 2018-01-13. Review status: criteria provided, single submitter. Criteria: ICSL Variant Classification Criteria 13 December 2019. Collection method: clinical testing. Allele origin: germline.
Comment: This variant was observed in the ICSL laboratory as part of a predisposition screen in an ostensibly healthy population. It had not been previously curated by ICSL or reported in the Human Gene Mutation Database (HGMD: prior to June 1st, 2018), and was therefore a candidate for classification through an automated scoring system. Utilizing variant allele frequency, disease prevalence and penetrance estimates, and inheritance mode, an automated score was calculated to assess if this variant is too frequent to cause the disease. Based on the score and internal cut-off values, a variant classified as benign is not then subjected to further curation. The score for this variant resulted in a classification of benign for this disease.